The following is an entry in ClinVar:

NM_006904.7(PRKDC):c.6773A>T (p.Glu2258Val)

Gene: PRKDC (protein kinase, DNA-activated, catalytic subunit; minus strand). Cytogenetic location: 8q11.21.
Variant type: single nucleotide variant.
Coding change: c.6773A>T on transcript NM_006904.7 (MANE Select); coding-DNA position 6773, A replaced by T.
Protein change: p.Glu2258Val; replaces glutamic acid 2258 with valine.
Molecular consequence: missense variant.
Genome position (GRCh38, 1-based): chr8:47,854,203, T>A on the plus strand (A>T on the coding strand, the complement: PRKDC is on the minus strand). VCF-style: chr8-47854203-T-A. GRCh37 (hg19) VCF-style: chr8-48766764-T-A.
Other names: c.6773A>T, p.Glu2258Val (NM_001081640.2); short protein forms E2258V.
Identifiers: ClinVar variation 3225896 (VCV003225896.1), dbSNP rs2551869282, ClinGen allele CA371158677.

ClinVar aggregate classification (germline): Uncertain significance (1 of 4 stars; one submission).

Submission:

Ambry Genetics
Classification: Uncertain significance. Last evaluated: 2023-09-29. Review status: criteria provided, single submitter. Criteria: Ambry Variant Classification Scheme 2023. Collection method: clinical testing. Allele origin: germline.
Comment: The p.E2258V variant (also known as c.6773A>T), located in coding exon 51 of the PRKDC gene, results from an A to T substitution at nucleotide position 6773. The glutamic acid at codon 2258 is replaced by valine, an amino acid with dissimilar properties. This amino acid position is conserved. In addition, this alteration is predicted to be tolerated by in silico analysis. Since supporting evidence is limited at this time, the clinical significance of this alteration remains unclear.